The following is an entry in ClinVar:

ClinVar aggregate classification (germline): Likely benign (0 of 4 stars; one submission).

Conditions:
TYMP-related disorder. Also called: TYMP-related condition.

Allele frequency attached by ClinVar (database versions not stated): gnomAD 0.00001; TOPMed 0.00001; ExAC 0.00003.
gnomAD v4.1: 57 of 1,610,380 alleles (0.0035%); highest among the groups gnomAD compares: Admixed American, 0.023%; no homozygotes.

Submission:

PreventionGenetics, part of Exact Sciences
Classification: Likely benign for TYMP-related condition. Last evaluated: 2022-09-08. Review status: no assertion criteria provided. Collection method: clinical testing. Allele origin: germline.
Comment: This variant is classified as likely benign based on ACMG/AMP sequence variant interpretation guidelines (Richards et al. 2015 PMID: 25741868, with internal and published modifications).

NM_001953.5(TYMP):c.*6C>T

Genes: SCO2 (synthesis of cytochrome C oxidase 2; minus strand), TYMP (thymidine phosphorylase; minus strand). Cytogenetic location: 22q13.33.
Variant type: single nucleotide variant.
Coding change: c.*6C>T on transcript NM_001953.5 (MANE Select); 6 bases downstream of the stop codon, C replaced by T.
Molecular consequence: 3 prime UTR variant. On other transcripts: intron variant (2).
Genome position (GRCh38, 1-based): chr22:50,525,764, G>A on the plus strand (C>T on the coding strand, the complement: TYMP is on the minus strand). VCF-style: chr22-50525764-G-A. GRCh37 (hg19) VCF-style: chr22-50964193-G-A.
Other names: c.*6C>T (NM_001113755.3, NM_001113756.3, NM_001257988.1 and 1 more transcripts); c.-14+482C>T (NM_001169109.2); c.-14+237C>T (NM_001169110.1).
Identifiers: ClinVar variation 3031371 (VCV003031371.2), dbSNP rs781431121, ClinGen allele CA10321385.